The following is an entry in ClinVar:

ClinVar aggregate classification (germline): Uncertain significance (1 of 4 stars; one submission).

Submission:

Labcorp Genetics (formerly Invitae), Labcorp
Classification: Uncertain significance. Last evaluated: 2025-11-19. Review status: criteria provided, single submitter. Criteria: Invitae Variant Classification Sherloc (09022015). Collection method: clinical testing. Allele origin: germline.
Comment: This sequence change replaces phenylalanine, which is neutral and non-polar, with leucine, which is neutral and non-polar, at codon 496 of the TRPV6 protein (p.Phe496Leu). This variant is not present in population databases (gnomAD no frequency). This variant has not been reported in the literature in individuals affected with TRPV6-related conditions. An algorithm developed to predict the effect of missense changes on protein structure and function outputs the following: PolyPhen-2: "Not Available". The leucine amino acid residue is found in multiple mammalian species, which suggests that this missense change does not adversely affect protein function. In summary, the available evidence is currently insufficient to determine the role of this variant in disease. Therefore, it has been classified as a Variant of Uncertain Significance.

NM_018646.6(TRPV6):c.1488T>G (p.Phe496Leu)

Gene: TRPV6 (transient receptor potential cation channel subfamily V member 6; minus strand). Cytogenetic location: 7q34.
Variant type: single nucleotide variant.
Coding change: c.1488T>G on transcript NM_018646.6 (MANE Select); coding-DNA position 1488, T replaced by G.
Protein change: p.Phe496Leu; replaces phenylalanine 496 with leucine.
Molecular consequence: missense variant.
Genome position (GRCh38, 1-based): chr7:142,874,575, A>C on the plus strand (T>G on the coding strand, the complement: TRPV6 is on the minus strand). VCF-style: chr7-142874575-A-C. GRCh37 (hg19) VCF-style: chr7-142572328-A-C.
Other names: short protein forms F496L.
Identifiers: ClinVar variation 4769240 (VCV004769240.1).